The following is an entry in ClinVar:

NM_006269.2(RP1):c.4817C>T (p.Thr1606Ile)

Gene: RP1 (RP1 axonemal microtubule associated; plus strand). Cytogenetic location: 8q12.1.
Variant type: single nucleotide variant.
Coding change: c.4817C>T on transcript NM_006269.2 (MANE Select); coding-DNA position 4817, C replaced by T.
Protein change: p.Thr1606Ile; replaces threonine 1606 with isoleucine.
Molecular consequence: missense variant. On other transcripts: intron variant (1).
Genome position (GRCh38, 1-based): chr8:54,628,699, C>T. VCF-style: chr8-54628699-C-T. GRCh37 (hg19) VCF-style: chr8-55541259-C-T.
Other names: c.787+6411C>T (NM_001375654.1); short protein forms T1606I.
Identifiers: ClinVar variation 4776173 (VCV004776173.1).

ClinVar aggregate classification (germline): Uncertain significance (1 of 4 stars; one submission).

gnomAD v4.1: 13 of 1,614,044 alleles (0.00081%); highest among the groups gnomAD compares: South Asian, 0.013%; no homozygotes.

Submission:

Labcorp Genetics (formerly Invitae), Labcorp
Classification: Uncertain significance. Last evaluated: 2025-04-13. Review status: criteria provided, single submitter. Criteria: Invitae Variant Classification Sherloc (09022015). Collection method: clinical testing. Allele origin: germline.
Comment: This sequence change replaces threonine, which is neutral and polar, with isoleucine, which is neutral and non-polar, at codon 1606 of the RP1 protein (p.Thr1606Ile). This variant is present in population databases (rs768316191, gnomAD 0.02%). This variant has not been reported in the literature in individuals affected with RP1-related conditions. An algorithm developed to predict the effect of missense changes on protein structure and function outputs the following: PolyPhen-2: "Benign". The isoleucine amino acid residue is found in multiple mammalian species, which suggests that this missense change does not adversely affect protein function. In summary, the available evidence is currently insufficient to determine the role of this variant in disease. Therefore, it has been classified as a Variant of Uncertain Significance.